The following is an entry in ClinVar:

NC_000003.12:g.173521663_173592049dup

Gene: NLGN1 (neuroligin 1; plus strand). Cytogenetic location: 3q26.31.
Variant type: Duplication.
Identifiers: ClinVar variation 156900 (VCV000156900.2).

ClinVar aggregate classification (germline): not provided (0 of 4 stars; one submission).

Conditions:
Large for gestational age. Identifiers: MedGen C1848395, HP:0001520.

Submission:

Institute of Molecular and Cell Biology, University of Tartu
No classification provided. Condition: Large for gestational age. Review status: no classification provided. Collection method: case-control. Allele origin: unknown. Affected: yes. Study: Kasak2014.
Comment: The study aimed to determine the contribution of copy number variants in the genetic etiology of normal and complicated pregnancies. The samples represented (i) maternal blood DNA drawn from healthy pregnant women during 1st or 2nd trimester and (ii) maternal and paternal blood DNA drawn at term pregnancy cases representing normal and complicated gestations (severe preeclampsia, PE; gestational diabetes, GD; small-for-gestational age newborn, SGA; large-for-gestational age newborn, LGA). We performed CNV calling based on genome-wide genotyping dataset (Illumina HumanOmniExpress-24-v1 BeadChip) by applying three algorithms, QuantiSNP, GADA (Genome Alteration Detection Algorithm) and CNstream in parallel. The acquired CNV calls were merged with HD-CNV (Hotspot Detector for Copy Number Variants) program and only the CNVs predicted by at least two programs, were considered in subsequent analysis.

Literature cited by the submitters: PubMed 25666259.